The following is an entry in ClinVar:

ClinVar aggregate classification (germline): Uncertain significance (1 of 4 stars; one submission).

Submission:

Greenwood Genetic Center Diagnostic Laboratories, Greenwood Genetic Center
Classification: Uncertain significance. Last evaluated: 2023-07-06. Review status: criteria provided, single submitter. Criteria: ACMG Guidelines, 2015. Collection method: clinical testing. Allele origin: germline. Affected: yes.
Comment: PS2, PM2, BP1, PP2

NM_052867.4(NALCN):c.4780A>G (p.Ile1594Val)

Gene: NALCN (sodium leak channel, non-selective; minus strand). Cytogenetic location: 13q32.3.
Variant type: single nucleotide variant.
Coding change: c.4780A>G on transcript NM_052867.4 (MANE Select); coding-DNA position 4780, A replaced by G.
Protein change: p.Ile1594Val; replaces isoleucine 1594 with valine.
Molecular consequence: missense variant.
Genome position (GRCh38, 1-based): chr13:101,059,943, T>C on the plus strand (A>G on the coding strand, the complement: NALCN is on the minus strand). VCF-style: chr13-101059943-T-C. GRCh37 (hg19) VCF-style: chr13-101712295-T-C.
Other names: c.4867A>G, p.Ile1623Val (NM_001350748.2); c.4780A>G, p.Ile1594Val (NM_001350749.2); c.4693A>G, p.Ile1565Val (NM_001350750.2, NM_001350751.2); short protein forms I1565V, I1594V, I1623V.
Identifiers: ClinVar variation 2626907 (VCV002626907.1), dbSNP rs2501770256, ClinGen allele CA388644251.